The following is an entry in ClinVar:

ClinVar aggregate classification (germline): Uncertain significance (1 of 4 stars; one submission).

Submission:

GeneDx
Classification: Uncertain significance. Last evaluated: 2020-01-18. Review status: criteria provided, single submitter. Criteria: GeneDx Variant Classification Process June 2021. Collection method: clinical testing. Allele origin: germline. Affected: yes.
Comment: Not observed in large population cohorts (Lek et al., 2016); The majority of missense variants in this gene are considered pathogenic (Stenson et al., 2014); In silico analysis, which includes protein predictors and evolutionary conservation, supports a deleterious effect; Has not been previously published as pathogenic or benign to our knowledge

NM_004333.6(BRAF):c.1444G>C (p.Val482Leu)

Gene: BRAF (B-Raf proto-oncogene, serine/threonine kinase; minus strand). Cytogenetic location: 7q34.
Variant type: single nucleotide variant.
Coding change: c.1444G>C on transcript NM_004333.6 (MANE Select); coding-DNA position 1444, G replaced by C.
Protein change: p.Val482Leu; replaces valine 482 with leucine.
Molecular consequence: missense variant.
Genome position (GRCh38, 1-based): chr7:140,778,064, C>G on the plus strand (G>C on the coding strand, the complement: BRAF is on the minus strand). VCF-style: chr7-140778064-C-G. GRCh37 (hg19) VCF-style: chr7-140477864-C-G.
Other names: c.1444G>C, p.Val482Leu (NM_001354609.2, NM_001378468.1, NM_001378474.1); c.1564G>C, p.Val522Leu (NM_001374244.1, NM_001374258.1); c.1453G>C, p.Val485Leu (NM_001378467.1); c.1378G>C, p.Val460Leu (NM_001378469.1); c.1342G>C, p.Val448Leu (NM_001378470.1); c.1333G>C, p.Val445Leu (NM_001378471.1); c.1288G>C, p.Val430Leu (NM_001378472.1, NM_001378473.1); c.1180G>C, p.Val394Leu (NM_001378475.1); short protein forms V394L, V430L, V445L, V448L, V460L, V482L, V485L, V522L.
Identifiers: ClinVar variation 1315931 (VCV001315931.2), dbSNP rs765715150, ClinGen allele CA369588500.